The following is an entry in ClinVar:

ClinVar aggregate classification (germline): Conflicting classifications of pathogenicity. Review status: criteria provided, conflicting classifications (1 of 4 stars). 2 submissions from 2 submitters: Uncertain significance (1); Likely benign (1). Last evaluated 2024-12-29.

Conditions:
PAX5-related disorder. Also called: PAX5-related condition.
Inborn genetic diseases. Identifiers: MedGen C0950123, MeSH D030342.

gnomAD v4.1: 4 of 1,578,724 alleles (0.00025%); highest among the groups gnomAD compares: Non-Finnish European, 0.00034%; no homozygotes.

Submissions (2):

Ambry Genetics
Classification: Likely benign for Inborn genetic diseases. Last evaluated: 2024-12-29. Review status: criteria provided, single submitter. Criteria: Ambry Variant Classification Scheme 2023. Collection method: clinical testing. Allele origin: germline.

PreventionGenetics, part of Exact Sciences
Classification: Uncertain significance for PAX5-related condition. Last evaluated: 2022-11-29. Review status: criteria provided, single submitter. Criteria: ACMG Guidelines, 2015. Collection method: clinical testing. Allele origin: germline.
Comment: The PAX5 c.893C>A variant is predicted to result in the amino acid substitution p.Pro298Gln. To our knowledge, this variant has not been reported in the literature or in a large population database, indicating this variant is rare. At this time, the clinical significance of this variant is uncertain due to the absence of conclusive functional and genetic evidence.

NM_016734.3(PAX5):c.1125C>A (p.Ala375=)

Gene: PAX5 (paired box 5; minus strand). Cytogenetic location: 9p13.2.
Variant type: single nucleotide variant.
Coding change: c.1125C>A on transcript NM_016734.3 (MANE Select); coding-DNA position 1125, C replaced by A.
Protein change: p.Ala375=; no amino-acid change (alanine 375 retained).
Molecular consequence: synonymous variant. On other transcripts: missense variant (2), non-coding transcript variant (2).
Genome position (GRCh38, 1-based): chr9:36,840,611, G>T on the plus strand (C>A on the coding strand, the complement: PAX5 is on the minus strand). VCF-style: chr9-36840611-G-T. GRCh37 (hg19) VCF-style: chr9-36840608-G-T.
Other names: c.1023C>A, p.Ala341= (NM_001280547.2); c.1038C>A, p.Ala346= (NM_001280548.2); c.893C>A, p.Pro298Gln (NM_001280549.2); c.806C>A, p.Pro269Gln (NM_001280550.2); c.612C>A, p.Ala204= (NM_001280551.2); c.936C>A, p.Ala312= (NM_001280552.2); c.909C>A, p.Ala303= (NM_001280553.2); c.996C>A, p.Ala332= (NM_001280554.2); and 3 more; short protein forms P269Q, P298Q.
Identifiers: ClinVar variation 2635404 (VCV002635404.2), dbSNP rs371549995, ClinGen allele CA373485787.